The following is an entry in ClinVar:

NM_003482.4(KMT2D):c.5978_5980dup (p.Gly1993_Asp1994insGly)

Gene: KMT2D (lysine methyltransferase 2D; minus strand). Cytogenetic location: 12q13.12.
Variant type: Duplication.
Coding change: c.5978_5980dup on transcript NM_003482.4 (MANE Select); coding-DNA positions 5978 to 5980, 3 bases duplicated (GCG; older notation c.5978_5980dupGCG).
Protein change: p.Gly1993_Asp1994insGly.
Molecular consequence: inframe insertion.
Genome position (GRCh38, 1-based): chr12:49,042,218-49,042,220, CGC duplicated on the plus strand (GCG on the coding strand, the reverse complement: KMT2D is on the minus strand); duplicating any 3 consecutive bases within chr12:49,042,218-49,042,221 gives the same sequence; the c. name uses the placement nearest the transcript's 3' end. VCF-style (leftmost placement, unchanged base first): chr12-49042217-T-TCGC. GRCh37 (hg19) VCF-style: chr12-49436000-T-TCGC.
Other names: c.5978_5980dup (NM_003482.3).
Identifiers: ClinVar variation 2831971 (VCV002831971.4), dbSNP rs2498407165, ClinGen allele CA2739272018.

ClinVar aggregate classification (germline): Uncertain significance. Review status: criteria provided, multiple submitters, no conflicts (2 of 4 stars). 2 submissions from 2 submitters: Uncertain significance (2). Last evaluated 2023-06-11.

Conditions:
Kabuki syndrome. Also called: NIIKAWA-KUROKI SYNDROME; Kabuki make-up syndrome. Identifiers: Orphanet 2322, MedGen C0796004, MONDO:0016512.

Submissions (2):

GeneDx
Classification: Uncertain significance. Last evaluated: 2023-06-11. Review status: criteria provided, single submitter. Criteria: GeneDx Variant Classification Process June 2021. Collection method: clinical testing. Allele origin: germline. Affected: yes.
Comment: Not observed at significant frequency in large population cohorts (gnomAD); In-frame duplication of 1 amino acid in a non-repeat region; Has not been previously published as pathogenic or benign to our knowledge

Labcorp Genetics (formerly Invitae), Labcorp
Classification: Uncertain significance for Kabuki syndrome. Last evaluated: 2023-01-26. Review status: criteria provided, single submitter. Criteria: Invitae Variant Classification Sherloc (09022015). Collection method: clinical testing. Allele origin: germline.
Comment: This variant has not been reported in the literature in individuals affected with KMT2D-related conditions. This variant is not present in population databases (gnomAD no frequency). This variant, c.5978_5980dup, results in the insertion of 1 amino acid(s) of the KMT2D protein (p.Gly1993dup), but otherwise preserves the integrity of the reading frame. In summary, the available evidence is currently insufficient to determine the role of this variant in disease. Therefore, it has been classified as a Variant of Uncertain Significance.